The following is an entry in ClinVar:

ClinVar aggregate classification (germline): Uncertain significance (1 of 4 stars; one submission).

Submission:

Labcorp Genetics (formerly Invitae), Labcorp
Classification: Uncertain significance. Last evaluated: 2023-08-04. Review status: criteria provided, single submitter. Criteria: Invitae Variant Classification Sherloc (09022015). Collection method: clinical testing. Allele origin: germline.
Comment: This sequence change replaces proline, which is neutral and non-polar, with leucine, which is neutral and non-polar, at codon 781 of the EMC1 protein (p.Pro781Leu). This variant is not present in population databases (gnomAD no frequency). This variant has not been reported in the literature in individuals affected with EMC1-related conditions. ClinVar contains an entry for this variant (Variation ID: 1517779). Advanced modeling of protein sequence and biophysical properties (such as structural, functional, and spatial information, amino acid conservation, physicochemical variation, residue mobility, and thermodynamic stability) performed at Invitae indicates that this missense variant is expected to disrupt EMC1 protein function. In summary, the available evidence is currently insufficient to determine the role of this variant in disease. Therefore, it has been classified as a Variant of Uncertain Significance.

NM_015047.3(EMC1):c.2342C>T (p.Pro781Leu)

Genes: EMC1 (ER membrane protein complex subunit 1; minus strand), EMC1-AS1 (EMC1 antisense RNA 1; plus strand). Cytogenetic location: 1p36.13.
Variant type: single nucleotide variant.
Coding change: c.2342C>T on transcript NM_015047.3 (MANE Select); coding-DNA position 2342, C replaced by T.
Protein change: p.Pro781Leu; replaces proline 781 with leucine.
Molecular consequence: missense variant.
Genome position (GRCh38, 1-based): chr1:19,223,430, G>A on the plus strand (C>T on the coding strand, the complement: EMC1 is on the minus strand). VCF-style: chr1-19223430-G-A. GRCh37 (hg19) VCF-style: chr1-19549924-G-A.
Other names: c.2339C>T, p.Pro780Leu (NM_001271427.2, NM_001271428.2); c.2276C>T, p.Pro759Leu (NM_001271429.2); c.2351C>T, p.Pro784Leu (NM_001375820.1); c.2348C>T, p.Pro783Leu (NM_001375821.1); short protein forms P759L, P780L, P783L, P781L, P784L.
Identifiers: ClinVar variation 1517779 (VCV001517779.8), dbSNP rs2151939031, ClinGen allele CA338754796.